The following is an entry in ClinVar:

ClinVar aggregate classification (germline): Likely benign. Review status: criteria provided, single submitter (1 of 4 stars). 2 submissions from 2 submitters: Likely benign (1). 1 of the submissions does not count toward it. Last evaluated 2023-09-01.

Conditions:
PLXNA3-related disorder. Also called: PLXNA3-related condition.

Allele frequency attached by ClinVar (database versions not stated): ESP Exome Variant Server 0.00009; ExAC 0.00018.
gnomAD v4.1: 329 of 1,210,044 alleles (0.027%); highest among the groups gnomAD compares: Middle Eastern, 0.57%; no homozygotes.

Submissions (2):

CeGaT Center for Human Genetics Tuebingen
Classification: Likely benign. Last evaluated: 2023-09-01. Review status: criteria provided, single submitter. Criteria: CeGaT Center For Human Genetics Tuebingen Variant Classification Criteria Version 2. Collection method: clinical testing. Allele origin: germline. Affected: yes. Observed: 4 variant alleles.
Comment: PLXNA3: BP4, BP7, BS2

PreventionGenetics, part of Exact Sciences
Classification: Likely benign for PLXNA3-related condition. Last evaluated: 2019-07-12. Review status: no assertion criteria provided. Collection method: clinical testing. Allele origin: germline. Not counted in ClinVar's aggregate classification.
Comment: This variant is classified as likely benign based on ACMG/AMP sequence variant interpretation guidelines (Richards et al. 2015 PMID: 25741868, with internal and published modifications).

NM_017514.5(PLXNA3):c.4089C>T (p.Thr1363=)

Gene: PLXNA3 (plexin A3; plus strand). Cytogenetic location: Xq28.
Variant type: single nucleotide variant.
Coding change: c.4089C>T on transcript NM_017514.5 (MANE Select); coding-DNA position 4089, C replaced by T.
Protein change: p.Thr1363=; no amino-acid change (threonine 1363 retained).
Molecular consequence: synonymous variant.
Genome position (GRCh38, 1-based): chrX:154,468,428, C>T. VCF-style: chrX-154468428-C-T. GRCh37 (hg19) VCF-style: chrX-153696771-C-T.
Identifiers: ClinVar variation 2661843 (VCV002661843.25), dbSNP rs371665634, ClinGen allele CA10564799.